The following is an entry in ClinVar:

ClinVar aggregate classification (germline): Conflicting classifications of pathogenicity. Review status: criteria provided, conflicting classifications (1 of 4 stars). 2 submissions from 2 submitters: Uncertain significance (1); Likely benign (1). Last evaluated 2025-12-03.

Conditions:
Carney complex, type 1 (CNC1). Also called: CARNEY MYXOMA-ENDOCRINE COMPLEX; CARNEY COMPLEX, TYPE I. Identifiers: Orphanet 1359, MedGen C2607929, MONDO:0008057, OMIM 160980.
PRKAR1A-related disorder. Also called: PRKAR1A-related condition.

Submissions (2):

PreventionGenetics, part of Exact Sciences
Classification: Likely benign for PRKAR1A-related condition. Last evaluated: 2025-12-03. Review status: criteria provided, single submitter. Criteria: ACMG Guidelines, 2015. Collection method: clinical testing. Allele origin: germline.
Comment: This variant is classified as likely benign based on ACMG/AMP sequence variant interpretation guidelines (Richards et al. 2015 PMID: 25741868, with internal and published modifications).

Labcorp Genetics (formerly Invitae), Labcorp
Classification: Uncertain significance for Carney complex, type 1. Last evaluated: 2022-01-26. Review status: criteria provided, single submitter. Criteria: Invitae Variant Classification Sherloc (09022015). Collection method: clinical testing. Allele origin: germline.
Comment: This variant occurs in a non-coding region of the PRKAR1A gene. It does not change the encoded amino acid sequence of the PRKAR1A protein. This variant is present in population databases (no rsID available, gnomAD 0.2%). This variant has not been reported in the literature in individuals affected with PRKAR1A-related conditions. Experimental studies and prediction algorithms are not available or were not evaluated, and the functional significance of this variant is currently unknown. In summary, the available evidence is currently insufficient to determine the role of this variant in disease. Therefore, it has been classified as a Variant of Uncertain Significance.

NM_002734.5(PRKAR1A):c.-32_-16dup

Gene: PRKAR1A (protein kinase cAMP-dependent type I regulatory subunit alpha; plus strand). Cytogenetic location: 17q24.2.
Variant type: Duplication.
Coding change: c.-32_-16dup on transcript NM_002734.5 (MANE Select); 32 bases upstream of the start codon through 16 bases upstream of the start codon, 17 bases duplicated (TCGCGCCCGCCGCCGCC).
Molecular consequence: 5 prime UTR variant. On other transcripts: intron variant (3).
Genome position (GRCh38, 1-based): chr17:68,512,523-68,512,539, TCGCGCCCGCCGCCGCC duplicated; duplicating any 17 consecutive bases within chr17:68,512,520-68,512,539 gives the same sequence; the c. name uses the placement nearest the transcript's 3' end. VCF-style (leftmost placement, unchanged base first): chr17-68512519-A-AGCCTCGCGCCCGCCGCC. GRCh37 (hg19) VCF-style: chr17-66508660-A-AGCCTCGCGCCCGCCGCC.
Other names: c.-165_-149dup (NM_001276289.2); c.-63_-47dup (NM_212472.2); c.-6-2871_-6-2855dup (NM_001278433.2); c.-140+381_-140+397dup (NM_001369389.1); c.-7+381_-7+397dup (NM_212471.3); c.-32_-16dup17 (NM_002734.4).
Identifiers: ClinVar variation 2126173 (VCV002126173.2), dbSNP rs1488347583, ClinGen allele CA501528023.